The following is an entry in ClinVar:

NM_022455.5(NSD1):c.5897A>C (p.Glu1966Ala)

Gene: NSD1 (nuclear receptor binding SET domain protein 1; plus strand). Cytogenetic location: 5q35.3.
Variant type: single nucleotide variant.
Coding change: c.5897A>C on transcript NM_022455.5 (MANE Select); coding-DNA position 5897, A replaced by C.
Protein change: p.Glu1966Ala; replaces glutamic acid 1966 with alanine.
Molecular consequence: missense variant.
Genome position (GRCh38, 1-based): chr5:177,282,469, A>C. VCF-style: chr5-177282469-A-C. GRCh37 (hg19) VCF-style: chr5-176709470-A-C.
Other names: c.5024A>C, p.Glu1675Ala (NM_001365684.2, NM_001409308.1, NM_001409309.1 and 1 more transcripts); c.5897A>C, p.Glu1966Ala (NM_001409301.1, NM_001409302.1, NM_001409303.1); c.5477A>C, p.Glu1826Ala (NM_001409304.1); c.5144A>C, p.Glu1715Ala (NM_001409305.1); c.5135A>C, p.Glu1712Ala (NM_001409306.1, NM_001409307.1); short protein forms E1715A, E1712A, E1826A, E1966A, E1675A.
Identifiers: ClinVar variation 4769625 (VCV004769625.2).

ClinVar aggregate classification (germline): Uncertain significance. Review status: criteria provided, multiple submitters, no conflicts (2 of 4 stars). 2 submissions from 2 submitters: Uncertain significance (2). Last evaluated 2026-02-28.

Conditions:
Inborn genetic diseases. Identifiers: MedGen C0950123, MeSH D030342.

gnomAD v4.1: 1 of 1,609,596 alleles (0.000062%); highest among the groups gnomAD compares: African/African-American, 0.0013%; no homozygotes.

Submissions (2):

Ambry Genetics
Classification: Uncertain significance for Inborn genetic diseases. Last evaluated: 2026-02-28. Review status: criteria provided, single submitter. Criteria: Ambry Variant Classification Scheme 2023. Collection method: clinical testing. Allele origin: germline.

Labcorp Genetics (formerly Invitae), Labcorp
Classification: Uncertain significance. Last evaluated: 2025-09-19. Review status: criteria provided, single submitter. Criteria: Invitae Variant Classification Sherloc (09022015). Collection method: clinical testing. Allele origin: germline.
Comment: This sequence change replaces glutamic acid, which is acidic and polar, with alanine, which is neutral and non-polar, at codon 1966 of the NSD1 protein (p.Glu1966Ala). This variant is not present in population databases (gnomAD no frequency). This variant has not been reported in the literature in individuals affected with NSD1-related conditions. Invitae Evidence Modeling of protein sequence and biophysical properties (such as structural, functional, and spatial information, amino acid conservation, physicochemical variation, residue mobility, and thermodynamic stability) has been performed for this missense variant. However, the output from this modeling did not meet the statistical confidence thresholds required to predict the impact of this variant on NSD1 protein function. In summary, the available evidence is currently insufficient to determine the role of this variant in disease. Therefore, it has been classified as a Variant of Uncertain Significance.